The following is an entry in ClinVar:

ClinVar aggregate classification (germline): Uncertain significance (1 of 4 stars; one submission).

Conditions:
Muscular dystrophy-dystroglycanopathy (congenital with brain and eye anomalies), type A, 7. Also called: WALKER-WARBURG SYNDROME OR MUSCLE-EYE-BRAIN DISEASE, ISPD-RELATED; Congenital muscular dystrophy-dystroglycanopathy with brain and eye anomalies, type A7. Identifiers: Orphanet 899, MedGen C3553330, MONDO:0013835, OMIM 614643.
Autosomal recessive limb-girdle muscular dystrophy type 2U. Also called: Muscular dystrophy-dystroglycanopathy (limb-girdle), type c, 7; MUSCULAR DYSTROPHY, LIMB-GIRDLE, TYPE 2U. Identifiers: Orphanet 352479, MedGen C5190987, MONDO:0014474, OMIM 616052.

gnomAD v4.1: 3 of 1,611,066 alleles (0.00019%); highest among the groups gnomAD compares: Non-Finnish European, 0.00025%; no homozygotes.

Submission:

Labcorp Genetics (formerly Invitae), Labcorp
Classification: Uncertain significance for Muscular dystrophy-dystroglycanopathy (congenital with brain and eye anomalies), type A, 7; Autosomal recessive limb-girdle muscular dystrophy type 2U. Last evaluated: 2021-08-02. Review status: criteria provided, single submitter. Criteria: Invitae Variant Classification Sherloc (09022015). Collection method: clinical testing. Allele origin: germline.
Comment: Algorithms developed to predict the effect of missense changes on protein structure and function output the following: SIFT: "Tolerated"; PolyPhen-2: "Benign"; Align-GVGD: "Class C0". The glutamic acid amino acid residue is found in multiple mammalian species, which suggests that this missense change does not adversely affect protein function. In summary, the available evidence is currently insufficient to determine the role of this variant in disease. Therefore, it has been classified as a Variant of Uncertain Significance. This variant has not been reported in the literature in individuals affected with ISPD-related conditions. This variant is not present in population databases (ExAC no frequency). This sequence change replaces aspartic acid with glutamic acid at codon 333 of the ISPD protein (p.Asp333Glu). The aspartic acid residue is weakly conserved and there is a small physicochemical difference between aspartic acid and glutamic acid.

NM_001101426.4(CRPPA):c.999T>A (p.Asp333Glu)

Genes: CRPPA (CDP-L-ribitol pyrophosphorylase A; minus strand), CRPPA-AS1 (CRPPA antisense RNA 1; plus strand). Cytogenetic location: 7p21.2.
Variant type: single nucleotide variant.
Coding change: c.999T>A on transcript NM_001101426.4 (MANE Select); coding-DNA position 999, T replaced by A.
Protein change: p.Asp333Glu; replaces aspartic acid 333 with glutamic acid.
Molecular consequence: missense variant. On other transcripts: non-coding transcript variant (1).
Genome position (GRCh38, 1-based): chr7:16,258,947, A>T on the plus strand (T>A on the coding strand, the complement: CRPPA is on the minus strand). VCF-style: chr7-16258947-A-T. GRCh37 (hg19) VCF-style: chr7-16298572-A-T.
Other names: c.849T>A, p.Asp283Glu (NM_001101417.4); c.894T>A, p.Asp298Glu (NM_001368197.1); short protein forms D283E, D298E, D333E.
Identifiers: ClinVar variation 1680759 (VCV001680759.6), dbSNP rs376909665, ClinGen allele CA367000755.